The following is an entry in ClinVar:

NM_000540.3(RYR1):c.215T>G (p.Leu72Arg)

Gene: RYR1 (ryanodine receptor 1; plus strand). Cytogenetic location: 19q13.2.
Variant type: single nucleotide variant.
Coding change: c.215T>G on transcript NM_000540.3 (MANE Select); coding-DNA position 215, T replaced by G.
Protein change: p.Leu72Arg; replaces leucine 72 with arginine.
Molecular consequence: missense variant.
Genome position (GRCh38, 1-based): chr19:38,442,398, T>G. VCF-style: chr19-38442398-T-G. GRCh37 (hg19) VCF-style: chr19-38933038-T-G.
Other names: c.215T>G, p.Leu72Arg (NM_001042723.2); short protein forms L72R.
Identifiers: ClinVar variation 3387619 (VCV003387619.1).
Genomic context (GRCh38, chr19:38,442,398, plus strand): 5'-TCCCACCCCAGAATGTGCCCCCCGATCTGGCCATCTGTTGCTTCGTCCTGGAGCAGTCCC[T>G]GTCTGTGCGAGCCCTGCAGGAGATGCTGGCTAACACGGTGGAGGCTGGCGTGGAGGTGAG-3'
Protein context (NP_000531.2, residues 62-82): AICCFVLEQS[Leu72Arg]SVRALQEMLA

ClinVar aggregate classification (germline): Uncertain significance (1 of 4 stars; one submission).

Conditions:
Malignant hyperthermia, susceptibility to, 1 (MHS1). Also called: Anesthesia related hyperthermia; Malignant hyperpyrexia; Fulminating hyperpyrexia; Pharmacogenic myopathy; RYR1-Related Malignant Hyperthermia Susceptibility; Malignant hyperthermia suceptibility 1. Identifiers: Orphanet 423, MedGen C2930980, MONDO:0007783, OMIM 145600.

Submission:

All of Us Research Program, National Institutes of Health
Classification: Uncertain significance for Malignant hyperthermia, susceptibility to, 1. Last evaluated: 2024-03-24. Review status: criteria provided, single submitter. Criteria: ACMG Guidelines, 2015. Collection method: clinical testing. Allele origin: germline. Inheritance: Autosomal dominant inheritance. Observed: 1 variant allele, 1 heterozygote.
Comment: This missense variant replaces leucine with arginine at codon 72 of the RYR1 protein. Computational prediction suggests that this variant may have deleterious impact on protein structure and function (internally defined REVEL score threshold >= 0.7, PMID: 27666373). To our knowledge, functional studies have not been reported for this variant. This variant has not been reported in individuals affected with RYR1-related disorders in the literature. This variant has not been identified in the general population by the Genome Aggregation Database (gnomAD). The available evidence is insufficient to determine the role of this variant in disease conclusively. Therefore, this variant is classified as a Variant of Uncertain Significance.

This study involves interpretation of variants in research participants for the purpose of population health screening. Participant phenotype was not available at the time of variant classification. Additional details can be found in publication PMID: 35346344, PMCID: PMC8962531